The following is an entry in ClinVar:

NM_001267550.2(TTN):c.107163_107167del (p.Phe35721fs)

Genes: TTN-AS1 (TTN antisense RNA 1; plus strand), TTN (titin; minus strand). Cytogenetic location: 2q31.2.
Variant type: Deletion.
Coding change: c.107163_107167del on transcript NM_001267550.2 (MANE Select); coding-DNA positions 107163 to 107167, 5 bases deleted (TACTT; older notation c.107163_107167delTACTT).
Protein change: p.Phe35721fs; shifts the reading frame from phenylalanine 35721.
Molecular consequence: frameshift variant.
Genome position (GRCh38, 1-based): chr2:178,528,584-178,528,588, AAGTA deleted on the plus strand (TACTT on the coding strand, the reverse complement: TTN is on the minus strand); deleting any 5 consecutive bases within chr2:178,528,584-178,528,591 gives the same sequence; the c. name uses the placement nearest the transcript's 3' end. VCF-style (leftmost placement, unchanged base first): chr2-178528583-CAAGTA-C. GRCh37 (hg19) VCF-style: chr2-179393310-CAAGTA-C.
Other names: c.102240_102244del, p.Phe34080fs (NM_001256850.1); c.79968_79972del, p.Phe26656fs (NM_003319.4); c.99459_99463del, p.Phe33153fs (NM_133378.4); c.80343_80347del, p.Phe26781fs (NM_133432.3); c.80544_80548del, p.Phe26848fs (NM_133437.4); short protein forms F26656fs, F34080fs, F26781fs, F35721fs, F26848fs, F33153fs.
Identifiers: ClinVar variation 196657 (VCV000196657.41), dbSNP rs794727544, ClinGen allele CA275200.
Genomic context (GRCh38, chr2:178,528,583, plus strand): 5'-CTTACTGGCAGGTTGTTTTTAAACCATTCGATTTCAGGGGATGGCTCGCCACTGATTTCA[CAAGTA>C]AAGAGAACATTTTGTCCTTCATTAATATTTTGAGATCTAGGCTGTGAGATGAAGGCTGGA-3'

ClinVar aggregate classification (germline): Pathogenic/Likely pathogenic. Review status: criteria provided, multiple submitters, no conflicts (2 of 4 stars). 3 submissions from 3 submitters: Pathogenic (2); Likely pathogenic (1). Last evaluated 2022-07-01.

Conditions:
Autosomal recessive limb-girdle muscular dystrophy type 2J (LGMDR10). Also called: Limb-girdle muscular dystrophy, type 2J; MUSCULAR DYSTROPHY, LIMB-GIRDLE, AUTOSOMAL RECESSIVE 10. Identifiers: Orphanet 140922, MedGen C1837342, MONDO:0012127, OMIM 608807.

Submissions (3):

CeGaT Center for Human Genetics Tuebingen
Classification: Pathogenic. Last evaluated: 2022-07-01. Review status: criteria provided, single submitter. Criteria: CeGaT Center For Human Genetics Tuebingen Variant Classification Criteria Version 2. Collection method: clinical testing. Allele origin: germline. Affected: yes. Observed: 2 variant alleles.

Broad Center for Mendelian Genomics, Broad Institute of MIT and Harvard
Classification: Pathogenic for Autosomal recessive limb-girdle muscular dystrophy type 2J. Last evaluated: 2018-12-03. Review status: criteria provided, single submitter. Criteria: ACMG Guidelines, 2015. Collection method: research. Allele origin: germline. Inheritance: Autosomal recessive inheritance. Affected: yes.
Comment: The presence of this variant in combination with a pathogenic variant and in an individual with LGMD increases the likelihood that the p.Phe35721LeufsTer2 variant is pathogenic. This variant was absent from large population studies. This variant is predicted to cause a frameshift, which alters the protein's amino acid sequence beginning at position 35721 and leads to a premature termination codon 2 amino acids downstream. This alteration is then predicted to lead to a truncated or absent protein. Loss of function of the TTN gene is an established disease mechanism in autosomal recessive LGMD. In summary, this variant meets criteria to be classified as pathogenic for LGMD in an autosomal recessive manner based on the predicted impact of the variant and the presence of a pathogenic variant in an individual with LGMD. ACMG/AMP Criteria applied: PM2, PVS1, PM3 (Richards 2015).

Eurofins Ntd Llc (ga)
Classification: Likely pathogenic. Last evaluated: 2015-05-15. Review status: criteria provided, single submitter. Criteria: EGL Classification Definitions 2015. Collection method: clinical testing. Allele origin: germline. Observed: 2 variant alleles, 2 heterozygotes.